The following is an entry in ClinVar:

ClinVar aggregate classification (germline): Pathogenic (1 of 4 stars; one submission).

Conditions:
Glycogen storage disease type III (GSD3). Also called: Cori disease; FORBES DISEASE. Identifiers: Orphanet 366, MedGen C0017922, MONDO:0009291, OMIM 232400.

Submission:

Labcorp Genetics (formerly Invitae), Labcorp
Classification: Pathogenic for Glycogen storage disease type III. Last evaluated: 2019-11-05. Review status: criteria provided, single submitter. Criteria: Invitae Variant Classification Sherloc (09022015). Collection method: clinical testing. Allele origin: germline.
Comment: This variant has not been reported in the literature in individuals with AGL-related conditions. For these reasons, this variant has been classified as Pathogenic. Loss-of-function variants in AGL are known to be pathogenic (PMID: 19299494). This variant is not present in population databases (ExAC no frequency). This sequence change creates a premature translational stop signal (p.Ile573Asnfs*2) in the AGL gene. It is expected to result in an absent or disrupted protein product.

Literature cited by the submitters: PubMed 19299494.

NM_000642.3(AGL):c.1717dup (p.Ile573fs)

Gene: AGL (amylo-alpha-1,6-glucosidase and 4-alpha-glucanotransferase; plus strand). Cytogenetic location: 1p21.2.
Variant type: Duplication.
Coding change: c.1717dup on transcript NM_000642.3 (MANE Select); coding-DNA position 1717, one base duplicated (A; older notation c.1717dupA).
Protein change: p.Ile573fs; shifts the reading frame from isoleucine 573.
Molecular consequence: frameshift variant.
Genome position (GRCh38, 1-based): chr1:99,880,028, A duplicated. VCF-style (leftmost placement, unchanged base first): chr1-99880027-C-CA. GRCh37 (hg19) VCF-style: chr1-100345583-C-CA.
Other names: c.1717dup, p.Ile573Asnfs (NM_000028.3, NM_000643.3, NM_000644.3 and 2 more transcripts); c.1669dup, p.Ile557Asnfs (NM_000646.3); c.1516dup, p.Ile506Asnfs (NM_001425327.1); c.1513dup, p.Ile505Asnfs (NM_001425328.1, NM_001425329.1); c.1339dup, p.Ile447Asnfs (NM_001425332.1); short protein forms I557fs, I573fs.
Identifiers: ClinVar variation 964030 (VCV000964030.8), dbSNP rs1651880905, ClinGen allele CA1139656246.